The following is an entry in ClinVar:

NM_005732.4(RAD50):c.1932G>A (p.Arg644=)

Gene: RAD50 (RAD50 double strand break repair protein; plus strand). Cytogenetic location: 5q31.1.
Variant type: single nucleotide variant.
Coding change: c.1932G>A on transcript NM_005732.4 (MANE Select); coding-DNA position 1932, G replaced by A.
Protein change: p.Arg644=; no amino-acid change (arginine 644 retained).
Molecular consequence: synonymous variant.
Genome position (GRCh38, 1-based): chr5:132,595,007, G>A. VCF-style: chr5-132595007-G-A. GRCh37 (hg19) VCF-style: chr5-131930699-G-A.
Identifiers: ClinVar variation 185432 (VCV000185432.26), dbSNP rs375978877, ClinGen allele CA191935.

ClinVar aggregate classification (germline): Benign/Likely benign. Review status: criteria provided, multiple submitters, no conflicts (2 of 4 stars). 6 submissions from 5 submitters: Benign (1); Likely benign (5). Last evaluated 2025-08-01.

Conditions:
Hereditary cancer-predisposing syndrome. Also called: Tumor predisposition; Neoplastic Syndromes, Hereditary; Hereditary Cancer Syndrome; Hereditary neoplastic syndrome. Identifiers: Orphanet 140162, MedGen C0027672, MeSH D009386, MONDO:0015356.
Nijmegen breakage syndrome-like disorder (NBSLD). Also called: MICROCEPHALY AND SPONTANEOUS CHROMOSOME INSTABILITY WITHOUT IMMUNODEFICIENCY; NBS-LIKE DISORDER; RAD50 DEFICIENCY. Identifiers: Orphanet 240760, MedGen C2751318, MONDO:0013118, OMIM 613078.
Familial cancer of breast. Also called: hereditary breast carcinoma; BREAST CANCER, FAMILIAL; Hereditary breast cancer. Identifiers: Orphanet 227535, MedGen C0346153, MONDO:0016419, OMIM 114480. Disease mechanism: loss of function.

Allele frequency attached by ClinVar (database versions not stated): gnomAD 0.00004; gnomAD exomes 0.00005 and 0.00006; TOPMed 0.00005; ExAC 0.00007; ESP Exome Variant Server 0.00008.
gnomAD v4.1: 94 of 1,613,716 alleles (0.0058%); highest among the groups gnomAD compares: Middle Eastern, 0.39%; 1 homozygote.

Submissions (6):

CeGaT Center for Human Genetics Tuebingen
Classification: Likely benign. Last evaluated: 2025-08-01. Review status: criteria provided, single submitter. Criteria: CeGaT Center For Human Genetics Tuebingen Variant Classification Criteria Version 2. Collection method: clinical testing. Allele origin: germline. Affected: yes. Observed: 1 variant allele.
Comment: RAD50: BP4, BP7

Labcorp Genetics (formerly Invitae), Labcorp
Classification: Likely benign for Hereditary cancer-predisposing syndrome. Last evaluated: 2025-06-09. Review status: criteria provided, single submitter. Criteria: Invitae Variant Classification Sherloc (09022015). Collection method: clinical testing. Allele origin: germline.

KCCC/NGS Laboratory, Kuwait Cancer Control Center
Classification: Benign for Nijmegen breakage syndrome-like disorder. Last evaluated: 2025-02-01. Review status: criteria provided, single submitter. Criteria: ACMG Guidelines, 2015. Collection method: clinical testing. Allele origin: germline. Affected: no.

KCCC/NGS Laboratory, Kuwait Cancer Control Center
Classification: Likely benign for Familial cancer of breast. Last evaluated: 2023-07-07. Review status: criteria provided, single submitter. Criteria: ACMG Guidelines, 2015. Collection method: clinical testing. Allele origin: germline. Affected: yes.

Ambry Genetics
Classification: Likely benign for Hereditary cancer-predisposing syndrome. Last evaluated: 2014-06-27. Review status: criteria provided, single submitter. Criteria: Ambry Variant Classification Scheme 2023. Collection method: clinical testing. Allele origin: germline.

Breakthrough Genomics
Classification: Likely benign. Review status: criteria provided, single submitter. Criteria: ACMG Guidelines, 2015. Collection method: not provided. Allele origin: germline. Inheritance: Autosomal recessive inheritance. Affected: yes.